The following is an entry in ClinVar:

NM_003737.4(DCHS1):c.9437C>T (p.Ala3146Val)

Gene: DCHS1 (dachsous cadherin-related 1; minus strand). Cytogenetic location: 11p15.4.
Variant type: single nucleotide variant.
Coding change: c.9437C>T on transcript NM_003737.4 (MANE Select); coding-DNA position 9437, C replaced by T.
Protein change: p.Ala3146Val; replaces alanine 3146 with valine.
Molecular consequence: missense variant.
Genome position (GRCh38, 1-based): chr11:6,622,239, G>A on the plus strand (C>T on the coding strand, the complement: DCHS1 is on the minus strand). VCF-style: chr11-6622239-G-A. GRCh37 (hg19) VCF-style: chr11-6643470-G-A.
Other names: short protein forms A3146V.
Identifiers: ClinVar variation 3620805 (VCV003620805.9).

ClinVar aggregate classification (germline): Uncertain significance. Review status: criteria provided, multiple submitters, no conflicts (2 of 4 stars). 2 submissions from 2 submitters: Uncertain significance (2). Last evaluated 2025-09-01.

gnomAD v4.1: 20 of 1,599,886 alleles (0.0013%); highest among the groups gnomAD compares: East Asian, 0.0023%; no homozygotes.

Submissions (2):

CeGaT Center for Human Genetics Tuebingen
Classification: Uncertain significance. Last evaluated: 2025-09-01. Review status: criteria provided, single submitter. Criteria: CeGaT Center For Human Genetics Tuebingen Variant Classification Criteria Version 2. Collection method: clinical testing. Allele origin: germline. Affected: yes. Observed: 1 variant allele.
Comment: DCHS1: PM2

Labcorp Genetics (formerly Invitae), Labcorp
Classification: Uncertain significance. Last evaluated: 2024-10-20. Review status: criteria provided, single submitter. Criteria: Invitae Variant Classification Sherloc (09022015). Collection method: clinical testing. Allele origin: germline.
Comment: This sequence change replaces alanine, which is neutral and non-polar, with valine, which is neutral and non-polar, at codon 3146 of the DCHS1 protein (p.Ala3146Val). The frequency data for this variant in the population databases is considered unreliable, as metrics indicate poor data quality at this position in the gnomAD database. This variant has not been reported in the literature in individuals affected with DCHS1-related conditions. Invitae Evidence Modeling of protein sequence and biophysical properties (such as structural, functional, and spatial information, amino acid conservation, physicochemical variation, residue mobility, and thermodynamic stability) has been performed for this missense variant. However, the output from this modeling did not meet the statistical confidence thresholds required to predict the impact of this variant on DCHS1 protein function. In summary, the available evidence is currently insufficient to determine the role of this variant in disease. Therefore, it has been classified as a Variant of Uncertain Significance.